The following is an entry in ClinVar:

NM_000465.4(BARD1):c.2002-5T>C

Gene: BARD1 (BRCA1 associated RING domain 1; minus strand). Cytogenetic location: 2q35.
Variant type: single nucleotide variant.
Coding change: c.2002-5T>C on transcript NM_000465.4 (MANE Select); 5 bases into the intron before coding-DNA position 2002, T replaced by C.
Molecular consequence: intron variant.
Genome position (GRCh38, 1-based): chr2:214,729,013, A>G on the plus strand (T>C on the coding strand, the complement: BARD1 is on the minus strand). VCF-style: chr2-214729013-A-G. GRCh37 (hg19) VCF-style: chr2-215593737-A-G.
Other names: c.592-5T>C (NM_001282548.2); c.1945-5T>C (NM_001282543.2); c.649-5T>C (NM_001282545.2); c.463-5T>C (NM_001282549.2).
Identifiers: ClinVar variation 3378711 (VCV003378711.1).

ClinVar aggregate classification (germline): Likely benign (1 of 4 stars; one submission).

Conditions:
Familial cancer of breast. Also called: hereditary breast carcinoma; Hereditary breast cancer; BREAST CANCER, FAMILIAL. Identifiers: Orphanet 227535, MedGen C0346153, MONDO:0016419, OMIM 114480. Disease mechanism: loss of function.

Submission:

Myriad Genetics, Inc.
Classification: Likely benign for Familial cancer of breast. Last evaluated: 2024-07-29. Review status: criteria provided, single submitter. Criteria: Myriad Autosomal Dominant, Autosomal Recessive and X-Linked Classification Criteria (2023). Collection method: clinical testing. Allele origin: unknown.
Comment: This variant is considered likely benign. This variant is intronic and is not expected to impact mRNA splicing.